The following is an entry in ClinVar:

ClinVar aggregate classification (germline): Uncertain significance (1 of 4 stars; one submission).

Conditions:
Bardet-Biedl syndrome (BBS). Identifiers: Orphanet 110, MedGen C0752166, MONDO:0015229.

Allele frequency attached by ClinVar (database versions not stated): gnomAD exomes below 0.00001; TOPMed 0.00002.
gnomAD v4.1: 2 of 1,614,190 alleles (0.00012%); highest among the groups gnomAD compares: South Asian, 0.0011%; no homozygotes.

Submission:

Labcorp Genetics (formerly Invitae), Labcorp
Classification: Uncertain significance for Bardet-Biedl syndrome. Last evaluated: 2022-02-09. Review status: criteria provided, single submitter. Criteria: Invitae Variant Classification Sherloc (09022015). Collection method: clinical testing. Allele origin: germline.
Comment: This sequence change replaces glutamic acid, which is acidic and polar, with glutamine, which is neutral and polar, at codon 9 of the BBS5 protein (p.Glu9Gln). This variant is present in population databases (no rsID available, gnomAD 0.006%). This variant has not been reported in the literature in individuals affected with BBS5-related conditions. ClinVar contains an entry for this variant (Variation ID: 958031). Algorithms developed to predict the effect of missense changes on protein structure and function are either unavailable or do not agree on the potential impact of this missense change (SIFT: "Tolerated"; PolyPhen-2: "Probably Damaging"; Align-GVGD: "Class C0"). In summary, the available evidence is currently insufficient to determine the role of this variant in disease. Therefore, it has been classified as a Variant of Uncertain Significance.

NM_152384.3(BBS5):c.25G>C (p.Glu9Gln)

Genes: BBS5 (Bardet-Biedl syndrome 5; plus strand), LOC129935068 (ATAC-STARR-seq lymphoblastoid active region 16738; plus strand). Cytogenetic location: 2q31.1.
Variant type: single nucleotide variant.
Coding change: c.25G>C on transcript NM_152384.3 (MANE Select); coding-DNA position 25, G replaced by C.
Protein change: p.Glu9Gln; replaces glutamic acid 9 with glutamine.
Molecular consequence: missense variant.
Genome position (GRCh38, 1-based): chr2:169,479,578, G>C. VCF-style: chr2-169479578-G-C. GRCh37 (hg19) VCF-style: chr2-170336088-G-C.
Other names: short protein forms E9Q.
Identifiers: ClinVar variation 958031 (VCV000958031.7), dbSNP rs1363954560, ClinGen allele CA349158688.